The following is an entry in ClinVar:

ClinVar aggregate classification (germline): Uncertain significance (1 of 4 stars; one submission).

gnomAD v4.1: 3 of 1,614,114 alleles (0.00019%); highest among the groups gnomAD compares: East Asian, 0.0067%; no homozygotes.

Submission:

Ambry Genetics
Classification: Uncertain significance. Last evaluated: 2023-09-29. Review status: criteria provided, single submitter. Criteria: Ambry Variant Classification Scheme 2023. Collection method: clinical testing. Allele origin: germline.
Comment: The p.T693S variant (also known as c.2078C>G), located in coding exon 13 of the NPAT gene, results from a C to G substitution at nucleotide position 2078. The threonine at codon 693 is replaced by serine, an amino acid with similar properties. This amino acid position is conserved. In addition, this alteration is predicted to be tolerated by in silico analysis. Since supporting evidence is limited at this time, the clinical significance of this alteration remains unclear.

NM_002519.3(NPAT):c.2078C>G (p.Thr693Ser)

Gene: NPAT (nuclear protein, coactivator of histone transcription; minus strand). Cytogenetic location: 11q22.3.
Variant type: single nucleotide variant.
Coding change: c.2078C>G on transcript NM_002519.3 (MANE Select); coding-DNA position 2078, C replaced by G.
Protein change: p.Thr693Ser; replaces threonine 693 with serine.
Molecular consequence: missense variant.
Genome position (GRCh38, 1-based): chr11:108,172,906, G>C on the plus strand (C>G on the coding strand, the complement: NPAT is on the minus strand). VCF-style: chr11-108172906-G-C. GRCh37 (hg19) VCF-style: chr11-108043633-G-C.
Other names: c.2078C>G, p.Thr693Ser (NM_001321307.1); short protein forms T693S.
Identifiers: ClinVar variation 3222508 (VCV003222508.1), dbSNP rs768077650, ClinGen allele CA6263887.